The following is an entry in ClinVar:

NM_005085.4(NUP214):c.5592+15G>C

Gene: NUP214 (nucleoporin 214; plus strand). Cytogenetic location: 9q34.13.
Variant type: single nucleotide variant.
Coding change: c.5592+15G>C on transcript NM_005085.4 (MANE Select); 15 bases into the intron after coding-DNA position 5592, G replaced by C.
Molecular consequence: intron variant.
Genome position (GRCh38, 1-based): chr9:131,201,732, G>C. VCF-style: chr9-131201732-G-C. GRCh37 (hg19) VCF-style: chr9-134077119-G-C.
Other names: c.5562+15G>C (NM_001318324.2); c.2070+15G>C (NM_001318325.2).
Identifiers: ClinVar variation 4885114 (VCV004885114.2).

ClinVar aggregate classification (germline): Uncertain significance (1 of 4 stars; one submission).

gnomAD v4.1: 38 of 1,606,952 alleles (0.0024%); highest among the groups gnomAD compares: African/African-American, 0.045%; no homozygotes.

Submission:

Dasa
Classification: Uncertain significance. Last evaluated: 2026-04-26. Review status: criteria provided, single submitter. Criteria: DASA Assertion Criteria. Collection method: clinical testing. Allele origin: germline.
Comment: NM_005085.4(NUP214):c.5592+15G>C is an intronic variant. This variant is rare in population databases. The currently available literature and clinical evidence are not sufficient to establish a definitive association between this variant and the reported condition. Therefore, this variant is classified as a variant of uncertain significance.